The following is an entry in ClinVar:

ClinVar aggregate classification (germline): Uncertain significance (0 of 4 stars; one submission).

Conditions:
MYT1L-related disorder. Also called: MYT1L-related condition.

Submission:

PreventionGenetics, part of Exact Sciences
Classification: Uncertain significance for MYT1L-related condition. Last evaluated: 2024-03-21. Review status: no assertion criteria provided. Collection method: clinical testing. Allele origin: germline.
Comment: The MYT1L c.293A>G variant is predicted to result in the amino acid substitution p.Asp98Gly. To our knowledge, this variant has not been reported in the literature or in a large population database, indicating this variant is rare. At this time, the clinical significance of this variant is uncertain due to the absence of conclusive functional and genetic evidence.

NM_001303052.2(MYT1L):c.293A>G (p.Asp98Gly)

Gene: MYT1L (myelin transcription factor 1 like; minus strand). Cytogenetic location: 2p25.3.
Variant type: single nucleotide variant.
Coding change: c.293A>G on transcript NM_001303052.2 (MANE Select); coding-DNA position 293, A replaced by G.
Protein change: p.Asp98Gly; replaces aspartic acid 98 with glycine.
Molecular consequence: missense variant.
Genome position (GRCh38, 1-based): chr2:1,943,194, T>C on the plus strand (A>G on the coding strand, the complement: MYT1L is on the minus strand). VCF-style: chr2-1943194-T-C. GRCh37 (hg19) VCF-style: chr2-1946966-T-C.
Other names: c.293A>G, p.Asp98Gly (NM_001329844.2, NM_001329845.1, NM_001329846.3 and 6 more transcripts); short protein forms D98G.
Identifiers: ClinVar variation 3348921 (VCV003348921.1).
Genomic context (GRCh38, chr2:1,943,194, plus strand): 5'-CCTGGCTCATCATTGTCCTCGGAGTACTCCTCCCCCTCATCCTCCTCCTTCTCATCCATG[T>C]CCTCAGTCCCATCACTGTCGTCACACTCATCCACTGAGGAGCTGTCTGCTTTCACGGCAA-3'
Protein context (NP_001289981.1, residues 88-108): DECDDSDGTE[Asp98Gly]MDEKEEDEGE